The following is an entry in ClinVar:

ClinVar aggregate classification (germline): Uncertain significance. Review status: criteria provided, multiple submitters, no conflicts (2 of 4 stars). 2 submissions from 2 submitters: Uncertain significance (2). Last evaluated 2023-03-08.

Allele frequency attached by ClinVar (database versions not stated): gnomAD exomes below 0.00001; gnomAD 0.00001; TOPMed 0.00001.
gnomAD v4.1: 6 of 1,613,830 alleles (0.00037%); highest among the groups gnomAD compares: Non-Finnish European, 0.00051%; no homozygotes.

Submissions (2):

Labcorp Genetics (formerly Invitae), Labcorp
Classification: Uncertain significance. Last evaluated: 2023-03-08. Review status: criteria provided, single submitter. Criteria: Invitae Variant Classification Sherloc (09022015). Collection method: clinical testing. Allele origin: germline.
Comment: This sequence change replaces arginine, which is basic and polar, with glutamine, which is neutral and polar, at codon 220 of the AGBL5 protein (p.Arg220Gln). This variant is present in population databases (no rsID available, gnomAD 0.003%). This variant has not been reported in the literature in individuals affected with AGBL5-related conditions. ClinVar contains an entry for this variant (Variation ID: 1907681). An algorithm developed to predict the effect of missense changes on protein structure and function (PolyPhen-2) suggests that this variant is likely to be disruptive. In summary, the available evidence is currently insufficient to determine the role of this variant in disease. Therefore, it has been classified as a Variant of Uncertain Significance.

Blueprint Genetics
Classification: Uncertain significance. Last evaluated: 2021-07-01. Review status: criteria provided, single submitter. Criteria: ACMG Guidelines, 2015. Collection method: clinical testing. Allele origin: germline.

NM_021831.6(AGBL5):c.659G>A (p.Arg220Gln)

Gene: AGBL5 (AGBL carboxypeptidase 5; plus strand). Cytogenetic location: 2p23.3.
Variant type: single nucleotide variant.
Coding change: c.659G>A on transcript NM_021831.6 (MANE Select); coding-DNA position 659, G replaced by A.
Protein change: p.Arg220Gln; replaces arginine 220 with glutamine.
Molecular consequence: missense variant. On other transcripts: non-coding transcript variant (2).
Genome position (GRCh38, 1-based): chr2:27,054,737, G>A. VCF-style: chr2-27054737-G-A. GRCh37 (hg19) VCF-style: chr2-27277605-G-A.
Other names: c.659G>A, p.Arg220Gln (NM_001035506.1, NM_001035507.3); short protein forms R220Q.
Identifiers: ClinVar variation 1907681 (VCV001907681.6), dbSNP rs1216390531, ClinGen allele CA346173758.